The following is an entry in ClinVar:

ClinVar aggregate classification (germline): Uncertain significance (1 of 4 stars; one submission).

Submission:

Labcorp Genetics (formerly Invitae), Labcorp
Classification: Uncertain significance. Last evaluated: 2023-12-14. Review status: criteria provided, single submitter. Criteria: Invitae Variant Classification Sherloc (09022015). Collection method: clinical testing. Allele origin: germline.
Comment: This sequence change replaces glutamine, which is neutral and polar, with histidine, which is basic and polar, at codon 28 of the C1QB protein (p.Gln28His). This variant is not present in population databases (gnomAD no frequency). This variant has not been reported in the literature in individuals affected with C1QB-related conditions. ClinVar contains an entry for this variant (Variation ID: 2048113). An algorithm developed to predict the effect of missense changes on protein structure and function (PolyPhen-2) suggests that this variant is likely to be disruptive. In summary, the available evidence is currently insufficient to determine the role of this variant in disease. Therefore, it has been classified as a Variant of Uncertain Significance.

NM_001378156.1(C1QB):c.78G>C (p.Gln26His)

Gene: C1QB (complement C1q B chain; plus strand). Cytogenetic location: 1p36.12.
Variant type: single nucleotide variant.
Coding change: c.78G>C on transcript NM_001378156.1 (MANE Select); coding-DNA position 78, G replaced by C.
Protein change: p.Gln26His; replaces glutamine 26 with histidine.
Molecular consequence: missense variant.
Genome position (GRCh38, 1-based): chr1:22,659,540, G>C. VCF-style: chr1-22659540-G-C. GRCh37 (hg19) VCF-style: chr1-22986033-G-C.
Other names: c.84G>C, p.Gln28His (NM_000491.5); c.78G>C, p.Gln26His (NM_001371184.3); short protein forms Q26H, Q28H.
Identifiers: ClinVar variation 2048113 (VCV002048113.4), dbSNP rs2522279687, ClinGen allele CA338944461.